The following is an entry in ClinVar:

ClinVar aggregate classification (germline): Uncertain significance. Review status: criteria provided, multiple submitters, no conflicts (2 of 4 stars). 3 submissions from 3 submitters: Uncertain significance (3). Last evaluated 2026-05-14.

Conditions:
Cardiovascular phenotype. Identifiers: MedGen CN230736.
Osteogenesis imperfecta type I (OI1). Also called: OI, TYPE I; OSTEOGENESIS IMPERFECTA TARDA; OSTEOGENESIS IMPERFECTA WITH BLUE SCLERAE; Osteogenesis imperfecta type 1; Lobstein's Disease; Lobstein disease. Identifiers: Orphanet 216796, Orphanet 666, MedGen C0023931, MONDO:0008146, OMIM 166200. Disease mechanism: loss of function.

Allele frequency attached by ClinVar (database versions not stated): TOPMed 0.00001; gnomAD exomes below 0.00001; ExAC 0.00002.

Submissions (3):

Ambry Genetics
Classification: Uncertain significance for Cardiovascular phenotype. Last evaluated: 2026-05-14. Review status: criteria provided, single submitter. Criteria: Ambry Variant Classification Scheme 2023. Collection method: clinical testing. Allele origin: germline.
Comment: The c.3250C>T (p.R1084C) alteration is located in exon 44 (coding exon 44) of the COL1A1 gene. This alteration results from a C to T substitution at nucleotide position 3250, causing the arginine (R) at amino acid position 1084 to be replaced by a cysteine (C). Based on data from gnomAD, the T allele has an overall frequency of <0.001% (1/203776) total alleles studied. The highest observed frequency was 0.007% (1/15266) of East Asian alleles. Based on insufficient or conflicting evidence, the clinical significance of this alteration remains unclear.

Dasa
Classification: Uncertain significance. Last evaluated: 2025-08-01. Review status: criteria provided, single submitter. Criteria: DASA Assertion Criteria. Collection method: clinical testing. Allele origin: germline.
Comment: NM_000088.4(COL1A1):c.3250C>T (p.Arg1084Cys) is a missense variant that results in the substitution of arginine with cysteine. This variant is rare in population databases. Computational prediction algorithms are consistent with a deleterious effect. The currently available literature and clinical evidence are not sufficient to establish a definitive association between this variant and the reported condition. Therefore, this variant is classified as a variant of uncertain significance.

Labcorp Genetics (formerly Invitae), Labcorp
Classification: Uncertain significance for Osteogenesis imperfecta type I. Last evaluated: 2024-09-08. Review status: criteria provided, single submitter. Criteria: Invitae Variant Classification Sherloc (09022015). Collection method: clinical testing. Allele origin: germline.
Comment: This sequence change replaces arginine, which is basic and polar, with cysteine, which is neutral and slightly polar, at codon 1084 of the COL1A1 protein (p.Arg1084Cys). The frequency data for this variant in the population databases is considered unreliable, as metrics indicate poor data quality at this position in the gnomAD database. This variant has not been reported in the literature in individuals affected with COL1A1-related conditions. ClinVar contains an entry for this variant (Variation ID: 2421189). Invitae Evidence Modeling of protein sequence and biophysical properties (such as structural, functional, and spatial information, amino acid conservation, physicochemical variation, residue mobility, and thermodynamic stability) indicates that this missense variant is expected to disrupt COL1A1 protein function with a positive predictive value of 95%. In summary, the available evidence is currently insufficient to determine the role of this variant in disease. Therefore, it has been classified as a Variant of Uncertain Significance.

NM_000088.4(COL1A1):c.3250C>T (p.Arg1084Cys)

Gene: COL1A1 (collagen type I alpha 1 chain; minus strand). Cytogenetic location: 17q21.33.
Variant type: single nucleotide variant.
Coding change: c.3250C>T on transcript NM_000088.4 (MANE Select); coding-DNA position 3250, C replaced by T.
Protein change: p.Arg1084Cys; replaces arginine 1084 with cysteine.
Molecular consequence: missense variant.
Genome position (GRCh38, 1-based): chr17:50,188,107, G>A on the plus strand (C>T on the coding strand, the complement: COL1A1 is on the minus strand). VCF-style: chr17-50188107-G-A. GRCh37 (hg19) VCF-style: chr17-48265468-G-A.
Other names: short protein forms R1084C.
Identifiers: ClinVar variation 2421189 (VCV002421189.9), dbSNP rs780560514, ClinGen allele CA8644511.
Genomic context (GRCh38, chr17:50,188,107, plus strand): 5'-CTGCATCTGTAGAGTTCTAAAGGCATGGGGGACACAGCAGGGTACTTACGGCGGGGCCAC[G>A]GGCGCCAACAGGGCCGACAGGACCGGCGGGACCAGCAGGACCCTGGGGAGAGCAAGGAAA-3'
Protein context (NP_000079.2, residues 1074-1094): PAGPVGPVGA[Arg1084Cys]GPAGPQGPRG